The following is an entry in ClinVar:

NM_001348323.3(TRIP12):c.1262G>A (p.Gly421Glu)

Gene: TRIP12 (thyroid hormone receptor interactor 12; minus strand). Cytogenetic location: 2q36.3.
Variant type: single nucleotide variant.
Coding change: c.1262G>A on transcript NM_001348323.3 (MANE Select); coding-DNA position 1262, G replaced by A.
Protein change: p.Gly421Glu; replaces glycine 421 with glutamic acid.
Molecular consequence: missense variant.
Genome position (GRCh38, 1-based): chr2:229,836,856, C>T on the plus strand (G>A on the coding strand, the complement: TRIP12 is on the minus strand). VCF-style: chr2-229836856-C-T. GRCh37 (hg19) VCF-style: chr2-230701572-C-T.
Other names: c.1262G>A, p.Gly421Glu (NM_001284214.2, NM_001348315.2, NM_001348319.1 and 13 more transcripts); c.1136G>A, p.Gly379Glu (NM_001284215.2, NM_001348316.2, NM_001348317.1 and 3 more transcripts); c.227G>A, p.Gly76Glu (NM_001284216.2); c.1175G>A, p.Gly392Glu (NM_001348332.1, NM_001348334.1); short protein forms G379E, G392E, G421E, G76E.
Identifiers: ClinVar variation 3366199 (VCV003366199.1).
Genomic context (GRCh38, chr2:229,836,856, plus strand): 5'-CAAATCTGTAAAAGACAGAAACGCATTTTAAAGCTAAGAAGTACCAATCTACCTGCAGCT[C>T]CTTGGGGAGCTTCATCTGTCCGAGCAGCTGAAGAATTTACTGCCTCCTGGTTGCTTTCAG-3'
Protein context (NP_001335252.1, residues 411-431): SAARTDEAPQ[Gly421Glu]AAASSSVAGA

ClinVar aggregate classification (germline): Uncertain significance (1 of 4 stars; one submission).

Submission:

GeneDx
Classification: Uncertain significance. Last evaluated: 2023-10-19. Review status: criteria provided, single submitter. Criteria: GeneDx Variant Classification Process June 2021. Collection method: clinical testing. Allele origin: germline. Affected: yes.
Comment: Not observed at significant frequency in large population cohorts (gnomAD); In silico analysis supports that this missense variant has a deleterious effect on protein structure/function; Has not been previously published as pathogenic or benign to our knowledge